The following is an entry in ClinVar:

ClinVar aggregate classification (germline): Uncertain significance (1 of 4 stars; one submission).

Conditions:
Desmin-related myofibrillar myopathy (MFM1). Also called: MYOFIBRILLAR MYOPATHY WITH ARRHYTHMOGENIC RIGHT VENTRICULAR CARDIOMYOPATHY; DESMIN-RELATED MYOPATHY WITH ARRHYTHMOGENIC RIGHT VENTRICULAR CARDIOMYOPATHY; Myofibrillar myopathy 1; Desminopathy; Desmin related myopathy (former name); Desmin storage myopathy (former name). Identifiers: Orphanet 363543, Orphanet 98909, MedGen C1832370, MONDO:0011076, OMIM 601419.

Allele frequency attached by ClinVar (database versions not stated): gnomAD exomes below 0.00001.
gnomAD v4.1: 1 of 1,562,016 alleles (0.000064%); highest among the groups gnomAD compares: Non-Finnish European, 0.000087%; no homozygotes.

Submission:

Labcorp Genetics (formerly Invitae), Labcorp
Classification: Uncertain significance for Desmin-related myofibrillar myopathy. Last evaluated: 2022-10-17. Review status: criteria provided, single submitter. Criteria: Invitae Variant Classification Sherloc (09022015). Collection method: clinical testing. Allele origin: germline.
Comment: In summary, the available evidence is currently insufficient to determine the role of this variant in disease. Therefore, it has been classified as a Variant of Uncertain Significance. Algorithms developed to predict the effect of missense changes on protein structure and function (SIFT, PolyPhen-2, Align-GVGD) all suggest that this variant is likely to be tolerated. This variant has not been reported in the literature in individuals affected with DES-related conditions. This variant is not present in population databases (gnomAD no frequency). This sequence change replaces glutamic acid, which is acidic and polar, with glycine, which is neutral and non-polar, at codon 153 of the DES protein (p.Glu153Gly).

NM_001927.4(DES):c.458A>G (p.Glu153Gly)

Gene: DES (desmin; plus strand). Cytogenetic location: 2q35.
Variant type: single nucleotide variant.
Coding change: c.458A>G on transcript NM_001927.4 (MANE Select); coding-DNA position 458, A replaced by G.
Protein change: p.Glu153Gly; replaces glutamic acid 153 with glycine.
Molecular consequence: missense variant.
Genome position (GRCh38, 1-based): chr2:219,418,920, A>G. VCF-style: chr2-219418920-A-G. GRCh37 (hg19) VCF-style: chr2-220283642-A-G.
Other names: c.458A>G, p.Glu153Gly (NM_001382708.1, NM_001382709.1, NM_001382710.1 and 3 more transcripts); short protein forms E153G.
Identifiers: ClinVar variation 1713366 (VCV001713366.6), dbSNP rs2545247968, ClinGen allele CA350686370.